The following is an entry in ClinVar:

NM_004204.5(PIGQ):c.639C>T (p.Cys213=)

Gene: PIGQ (phosphatidylinositol glycan anchor biosynthesis class Q; plus strand). Cytogenetic location: 16p13.3.
Variant type: single nucleotide variant.
Coding change: c.639C>T on transcript NM_004204.5 (MANE Select); coding-DNA position 639, C replaced by T.
Protein change: p.Cys213=; no amino-acid change (cysteine 213 retained).
Molecular consequence: synonymous variant.
Genome position (GRCh38, 1-based): chr16:574,713, C>T. VCF-style: chr16-574713-C-T. GRCh37 (hg19) VCF-style: chr16-624713-C-T.
Other names: p.Cys213=; c.639C>T, p.Cys213= (NM_148920.4); c.639C>T (NM_004204.4).
Identifiers: ClinVar variation 1164854 (VCV001164854.17), dbSNP rs4984669, ClinGen allele CA7779930.

ClinVar aggregate classification (germline): Benign. Review status: criteria provided, multiple submitters, no conflicts (2 of 4 stars). 7 submissions from 7 submitters: Benign (7). Last evaluated 2026-02-04.

Conditions:
Developmental and epileptic encephalopathy, 77. Also called: GLYCOSYLPHOSPHATIDYLINOSITOL BIOSYNTHESIS DEFECT 19; MULTIPLE CONGENITAL ANOMALIES-HYPOTONIA-SEIZURES SYNDROME 4; EPILEPTIC ENCEPHALOPATHY, EARLY INFANTILE, 77. Identifiers: MedGen C5231405, MONDO:0032808, OMIM 618548.
Epilepsy. Also called: Seizure disorder. Identifiers: MedGen C0014544, MeSH D004827, MONDO:0005027.

Allele frequency attached by ClinVar (database versions not stated): ESP Exome Variant Server 0.43079; gnomAD exomes 0.44691 and 0.48758; gnomAD 0.45828 and 0.46649; TOPMed 0.45841; ExAC 0.50181; 1000 Genomes Project 30x 0.53467; 1000 Genomes Project 0.53654.
gnomAD v4.1: 713,612 of 1,591,056 alleles (45%); highest among the groups gnomAD compares: East Asian, 66%; 164,524 homozygotes.

Submissions (7):

Labcorp Genetics (formerly Invitae), Labcorp
Classification: Benign for Epilepsy. Last evaluated: 2026-02-04. Review status: criteria provided, single submitter. Criteria: Invitae Variant Classification Sherloc (09022015). Collection method: clinical testing. Allele origin: germline.

Blueprint Genetics
Classification: Benign. Last evaluated: 2024-11-27. Review status: criteria provided, single submitter. Criteria: ACMG Guidelines, 2015. Collection method: clinical testing. Allele origin: germline.

Unidad de Genómica Garrahan, Hospital de Pediatría Garrahan
Classification: Benign. Last evaluated: 2024-07-15. Review status: criteria provided, single submitter. Criteria: ACMG Guidelines, 2015. Collection method: clinical testing. Allele origin: germline. Affected: no. Observed: 66 variant alleles.
Comment: This variant is classified as Benign based on local population frequency. This variant was detected in 71% of patients studied in a panel designed for Epileptic and Developmental Encephalopathy and Progressive Myoclonus Epilepsy. Number of patients: 66. Only high quality variants are reported.

Mayo Clinic Laboratories, Mayo Clinic
Classification: Benign. Last evaluated: 2021-11-29. Review status: criteria provided, single submitter. Criteria: ACMG Guidelines, 2015. Collection method: clinical testing. Allele origin: germline. Observed: 174 variant alleles.

Genome-Nilou Lab
Classification: Benign for Developmental and epileptic encephalopathy, 77. Last evaluated: 2021-07-14. Review status: criteria provided, single submitter. Criteria: ACMG Guidelines, 2015. Collection method: clinical testing. Allele origin: germline. Affected: no.

GeneDx
Classification: Benign. Last evaluated: 2019-02-08. Review status: criteria provided, single submitter. Criteria: GeneDx Variant Classification Process June 2021. Collection method: clinical testing. Allele origin: germline. Affected: yes.

Breakthrough Genomics
Classification: Benign. Review status: criteria provided, single submitter. Criteria: ACMG Guidelines, 2015. Collection method: not provided. Allele origin: germline. Inheritance: Autosomal recessive inheritance. Affected: yes.